The following is an entry in ClinVar:

NM_017721.5(CC2D1A):c.1419G>A (p.Ser473=)

Gene: CC2D1A (coiled-coil and C2 domain containing 1A; plus strand). Cytogenetic location: 19p13.12.
Variant type: single nucleotide variant.
Coding change: c.1419G>A on transcript NM_017721.5 (MANE Select); coding-DNA position 1419, G replaced by A.
Protein change: p.Ser473=; no amino-acid change (serine 473 retained).
Molecular consequence: synonymous variant.
Genome position (GRCh38, 1-based): chr19:13,920,619, G>A. VCF-style: chr19-13920619-G-A. GRCh37 (hg19) VCF-style: chr19-14031432-G-A.
Other names: c.1419G>A (NM_017721.4); c.1419G>A, p.Ser473= (NM_001411138.1).
Identifiers: ClinVar variation 2894957 (VCV002894957.7), dbSNP rs373165331, ClinGen allele CA9244667.

ClinVar aggregate classification (germline): Likely benign. Review status: criteria provided, multiple submitters, no conflicts (2 of 4 stars). 4 submissions from 4 submitters: Likely benign (3). 1 of the submissions does not count toward it. Last evaluated 2025-02-16.

Conditions:
CC2D1A-related disorder. Also called: CC2D1A-related condition.

Allele frequency attached by ClinVar (database versions not stated): gnomAD exomes 0.00001; gnomAD 0.00005; TOPMed 0.00006; ExAC 0.00008; ESP Exome Variant Server 0.00017.
gnomAD v4.1: 29 of 1,611,152 alleles (0.0018%); highest among the groups gnomAD compares: Middle Eastern, 0.033%; no homozygotes.

Submissions (4):

Laboratory of Genetics, Children's Clinical University Hospital Latvia
Classification: Likely benign. Last evaluated: 2025-02-16. Review status: criteria provided, single submitter. Criteria: ACMG Guidelines, 2015. Collection method: clinical testing. Allele origin: germline. Affected: yes.

Labcorp Genetics (formerly Invitae), Labcorp
Classification: Likely benign. Last evaluated: 2023-11-05. Review status: criteria provided, single submitter. Criteria: Invitae Variant Classification Sherloc (09022015). Collection method: clinical testing. Allele origin: germline.

Blueprint Genetics
Classification: Likely benign. Last evaluated: 2023-07-07. Review status: criteria provided, single submitter. Criteria: ACMG Guidelines, 2015. Collection method: clinical testing. Allele origin: germline.

PreventionGenetics, part of Exact Sciences
Classification: Likely benign for CC2D1A-related condition. Last evaluated: 2019-06-25. Review status: no assertion criteria provided. Collection method: clinical testing. Allele origin: germline. Not counted in ClinVar's aggregate classification.
Comment: This variant is classified as likely benign based on ACMG/AMP sequence variant interpretation guidelines (Richards et al. 2015 PMID: 25741868, with internal and published modifications).